The following is an entry in ClinVar:

NM_001113378.2(FANCI):c.1573A>G (p.Met525Val)

Gene: FANCI (FA complementation group I; plus strand). Cytogenetic location: 15q26.1.
Variant type: single nucleotide variant.
Coding change: c.1573A>G on transcript NM_001113378.2 (MANE Select); coding-DNA position 1573, A replaced by G.
Protein change: p.Met525Val; replaces methionine 525 with valine.
Molecular consequence: missense variant.
Genome position (GRCh38, 1-based): chr15:89,281,825, A>G. VCF-style: chr15-89281825-A-G. GRCh37 (hg19) VCF-style: chr15-89825056-A-G.
Other names: c.1294A>G, p.Met432Val (NM_001376910.1); c.1573A>G, p.Met525Val (NM_001376911.1, NM_018193.3); short protein forms M525V, M432V.
Identifiers: ClinVar variation 238309 (VCV000238309.55), dbSNP rs144908351, ClinGen allele CA7723058.

ClinVar aggregate classification (germline): Conflicting classifications of pathogenicity. Review status: criteria provided, conflicting classifications (1 of 4 stars). 11 submissions from 11 submitters: Uncertain significance (2); Benign (2); Likely benign (6). 1 of the submissions does not count toward it. Last evaluated 2026-09-01.

Conditions:
FANCI-related disorder. Also called: FANCI-related condition.
Fanconi anemia (FA). Also called: Fanconi's anemia. Identifiers: Orphanet 84, MedGen C0015625, MeSH D005199, MONDO:0019391.
Fanconi anemia complementation group I (FANCI). Also called: FANCI-Related Fanconi Anemia. Identifiers: Orphanet 84, MedGen C1836861, MONDO:0012186, OMIM 609053.

Allele frequency attached by ClinVar (database versions not stated): 1000 Genomes Project 0.00080; 1000 Genomes Project 30x 0.00109; ExAC 0.00213; gnomAD 0.00224 and 0.00282; gnomAD exomes 0.00230 and 0.00385; ESP Exome Variant Server 0.00238; TOPMed 0.00255.
gnomAD v4.1: 5,921 of 1,613,740 alleles (0.37%); highest among the groups gnomAD compares: Non-Finnish European, 0.46%; 23 homozygotes.

Submissions (11):

CeGaT Center for Human Genetics Tuebingen
Classification: Likely benign. Last evaluated: 2026-09-01. Review status: criteria provided, single submitter. Criteria: CeGaT Center For Human Genetics Tuebingen Variant Classification Criteria Version 2. Collection method: clinical testing. Allele origin: germline. Affected: yes. Observed: 30 variant alleles.
Comment: FANCI: BP4, BS2

Labcorp Genetics (formerly Invitae), Labcorp
Classification: Benign for Fanconi anemia. Last evaluated: 2026-02-03. Review status: criteria provided, single submitter. Criteria: Invitae Variant Classification Sherloc (09022015). Collection method: clinical testing. Allele origin: germline.

Blueprint Genetics
Classification: Likely benign. Last evaluated: 2024-11-26. Review status: criteria provided, single submitter. Criteria: ACMG Guidelines, 2015. Collection method: clinical testing. Allele origin: germline.

Center for Genomics, Ann and Robert H. Lurie Children's Hospital of Chicago
Classification: Likely benign for Fanconi anemia complementation group I. Last evaluated: 2022-06-07. Review status: criteria provided, single submitter. Criteria: ACMG Guidelines, 2015. Collection method: clinical testing. Allele origin: germline.
Comment: This variant has not been reported in the literature in association with hematological disease. This variant is present in the Genome Aggregation Databse (Highest MAF: 0.4% [275/68032], 5 homozygotes). This variant is also present in ClinVar (Variation ID: 238309). Evoluationary conservation and computational predictive tools suggest that this variant may not impact the protein. In summary, data on this variant suggests that this variant does not cause disease but requires further evidence. Therefore, this variant is classified as likely benign.

Institute for Clinical Genetics, University Hospital TU Dresden, University Hospital TU Dresden
Classification: Uncertain significance. Last evaluated: 2021-11-03. Review status: criteria provided, single submitter. Criteria: ACMG Guidelines, 2015. Collection method: clinical testing. Allele origin: germline.

Genetic Services Laboratory, University of Chicago
Classification: Likely benign. Last evaluated: 2021-01-08. Review status: criteria provided, single submitter. Criteria: ACMG Guidelines, 2015. Collection method: clinical testing. Allele origin: germline. Affected: no.

Sema4
Classification: Benign for Fanconi anemia. Last evaluated: 2020-11-02. Review status: criteria provided, single submitter. Criteria: Sema4 Curation Guidelines. Collection method: curation. Allele origin: germline.

GeneDx
Classification: Likely benign. Last evaluated: 2020-07-14. Review status: criteria provided, single submitter. Criteria: GeneDx Variant Classification (06012015). Collection method: clinical testing. Allele origin: germline. Affected: yes.

Baylor Genetics
Classification: Uncertain significance for Fanconi anemia complementation group I. Last evaluated: 2018-11-18. Review status: criteria provided, single submitter. Criteria: ACMG Guidelines, 2015. Collection method: clinical testing. Allele origin: unknown. Affected: yes. Study: CSER-TexasKidsCanSeq.
Comment: This variant was determined to be of uncertain significance according to ACMG Guidelines, 2015 [PMID:25741868].

Illumina Laboratory Services, Illumina
Classification: Likely benign for Fanconi anemia complementation group I. Last evaluated: 2018-01-12. Review status: criteria provided, single submitter. Criteria: ICSL Variant Classification Criteria 13 December 2019. Collection method: clinical testing. Allele origin: germline.
Comment: This variant was observed in the ICSL laboratory as part of a predisposition screen in an ostensibly healthy population. It had not been previously curated by ICSL or reported in the Human Gene Mutation Database (HGMD: prior to June 1st, 2018), and was therefore a candidate for classification through an automated scoring system. Utilizing variant allele frequency, disease prevalence and penetrance estimates, and inheritance mode, an automated score was calculated to assess if this variant is too frequent to cause the disease. Based on the score and internal cut-off values, a variant classified as likely benign is not then subjected to further curation. The score for this variant resulted in a classification of likely benign for this disease.

PreventionGenetics, part of Exact Sciences
Classification: Likely benign for FANCI-related condition. Last evaluated: 2022-02-16. Review status: no assertion criteria provided. Collection method: clinical testing. Allele origin: germline. Not counted in ClinVar's aggregate classification.
Comment: This variant is classified as likely benign based on ACMG/AMP sequence variant interpretation guidelines (Richards et al. 2015 PMID: 25741868, with internal and published modifications).